The following is an entry in ClinVar:

NM_001621.5(AHR):c.1470G>C (p.Met490Ile)

Gene: AHR (aryl hydrocarbon receptor; plus strand). Cytogenetic location: 7p21.1.
Variant type: single nucleotide variant.
Coding change: c.1470G>C on transcript NM_001621.5 (MANE Select); coding-DNA position 1470, G replaced by C.
Protein change: p.Met490Ile; replaces methionine 490 with isoleucine.
Molecular consequence: missense variant.
Genome position (GRCh38, 1-based): chr7:17,339,295, G>C. VCF-style: chr7-17339295-G-C. GRCh37 (hg19) VCF-style: chr7-17378919-G-C.
Other names: c.1470G>C (NM_001621.4); short protein forms M490I.
Identifiers: ClinVar variation 1362040 (VCV001362040.6), dbSNP rs138562518, ClinGen allele CA4172124.

ClinVar aggregate classification (germline): Uncertain significance. Review status: criteria provided, multiple submitters, no conflicts (2 of 4 stars). 2 submissions from 2 submitters: Uncertain significance (2). Last evaluated 2023-12-11.

Allele frequency attached by ClinVar (database versions not stated): gnomAD 0.00006 and 0.00007; TOPMed 0.00006; ESP Exome Variant Server 0.00008; gnomAD exomes 0.00011 and 0.00014; ExAC 0.00012.
gnomAD v4.1: 165 of 1,614,024 alleles (0.01%); highest among the groups gnomAD compares: South Asian, 0.056%; no homozygotes.

Submissions (2):

Ambry Genetics
Classification: Uncertain significance. Last evaluated: 2023-12-11. Review status: criteria provided, single submitter. Criteria: Ambry Variant Classification Scheme 2023. Collection method: clinical testing. Allele origin: germline.

Labcorp Genetics (formerly Invitae), Labcorp
Classification: Uncertain significance. Last evaluated: 2022-09-13. Review status: criteria provided, single submitter. Criteria: Invitae Variant Classification Sherloc (09022015). Collection method: clinical testing. Allele origin: germline.
Comment: This sequence change replaces methionine, which is neutral and non-polar, with isoleucine, which is neutral and non-polar, at codon 490 of the AHR protein (p.Met490Ile). This variant is present in population databases (rs138562518, gnomAD 0.06%). This variant has not been reported in the literature in individuals affected with AHR-related conditions. ClinVar contains an entry for this variant (Variation ID: 1362040). Algorithms developed to predict the effect of missense changes on protein structure and function (SIFT, PolyPhen-2, Align-GVGD) all suggest that this variant is likely to be tolerated. In summary, the available evidence is currently insufficient to determine the role of this variant in disease. Therefore, it has been classified as a Variant of Uncertain Significance.